The following is an entry in ClinVar:

ClinVar aggregate classification (germline): Likely benign (0 of 4 stars; one submission).

Conditions:
MARK3-related disorder. Also called: MARK3-related condition.

Allele frequency attached by ClinVar (database versions not stated): ESP Exome Variant Server 0.00081; TOPMed 0.00112; gnomAD exomes 0.00144; gnomAD 0.00151; ExAC 0.00220.
gnomAD v4.1: 2,335 of 1,614,192 alleles (0.14%); highest among the groups gnomAD compares: Non-Finnish European, 0.16%; 5 homozygotes.

Submission:

PreventionGenetics, part of Exact Sciences
Classification: Likely benign for MARK3-related condition. Last evaluated: 2022-04-28. Review status: no assertion criteria provided. Collection method: clinical testing. Allele origin: germline.
Comment: This variant is classified as likely benign based on ACMG/AMP sequence variant interpretation guidelines (Richards et al. 2015 PMID: 25741868, with internal and published modifications).

NM_001128918.3(MARK3):c.2201C>T (p.Ser734Leu)

Gene: MARK3 (microtubule affinity regulating kinase 3; plus strand). Cytogenetic location: 14q32.33.
Variant type: single nucleotide variant.
Coding change: c.2201C>T on transcript NM_001128918.3 (MANE Select); coding-DNA position 2201, C replaced by T.
Protein change: p.Ser734Leu; replaces serine 734 with leucine.
Molecular consequence: missense variant.
Genome position (GRCh38, 1-based): chr14:103,503,166, C>T. VCF-style: chr14-103503166-C-T. GRCh37 (hg19) VCF-style: chr14-103969503-C-T.
Other names: c.2174C>T, p.Ser725Leu (NM_001128919.3); c.2081C>T, p.Ser694Leu (NM_001128920.3); c.1919C>T, p.Ser640Leu (NM_001128921.3); c.2120C>T, p.Ser707Leu (NM_001411055.1); c.1964C>T, p.Ser655Leu (NM_001411056.1); c.2129C>T, p.Ser710Leu (NM_002376.7); short protein forms S640L, S655L, S694L, S707L, S710L, S725L, S734L.
Identifiers: ClinVar variation 3057300 (VCV003057300.2), dbSNP rs201508144, ClinGen allele CA7364388.